The following is an entry in ClinVar:

ClinVar aggregate classification (germline): Uncertain significance (1 of 4 stars; one submission).

Conditions:
Muscle AMP deaminase deficiency (MMDD). Also called: AMPD1 DEFICIENCY; Myoadenylate deaminase deficiency, myopathy due to; Adenosine monophosphate deaminase 1 deficiency; AMP deaminase 1 deficiency; Adenosine Monophosphate Deaminase 1; ADENOSINE MONOPHOSPHATE DEAMINASE-1 DEFICIENCY, MYOPATHY DUE TO. Identifiers: Orphanet 45, MedGen C3714933, MONDO:0014220, OMIM 615511.

Allele frequency attached by ClinVar (database versions not stated): ExAC 0.00001; gnomAD 0.00001; 1000 Genomes Project 30x 0.00016; 1000 Genomes Project 0.00020.

Submission:

Labcorp Genetics (formerly Invitae), Labcorp
Classification: Uncertain significance for Muscle AMP deaminase deficiency. Last evaluated: 2022-04-23. Review status: criteria provided, single submitter. Criteria: Invitae Variant Classification Sherloc (09022015). Collection method: clinical testing. Allele origin: germline.
Comment: This sequence change falls in intron 2 of the AMPD1 gene. It does not directly change the encoded amino acid sequence of the AMPD1 protein. It affects a nucleotide within the consensus splice site. This variant is present in population databases (rs557611277, gnomAD 0.007%). This variant has not been reported in the literature in individuals affected with AMPD1-related conditions. Variants that disrupt the consensus splice site are a relatively common cause of aberrant splicing (PMID: 17576681, 9536098). Algorithms developed to predict the effect of sequence changes on RNA splicing suggest that this variant is not likely to affect RNA splicing. In summary, the available evidence is currently insufficient to determine the role of this variant in disease. Therefore, it has been classified as a Variant of Uncertain Significance.

Literature cited by the submitters: PubMed 17576681; PubMed 9536098.

NM_000036.3(AMPD1):c.34+3G>A

Gene: AMPD1 (adenosine monophosphate deaminase 1; minus strand). Cytogenetic location: 1p13.2.
Variant type: single nucleotide variant.
Coding change: c.34+3G>A on transcript NM_000036.3 (MANE Select); 3 bases into the intron after coding-DNA position 34, G replaced by A.
Molecular consequence: intron variant.
Genome position (GRCh38, 1-based): chr1:114,693,433, C>T on the plus strand (G>A on the coding strand, the complement: AMPD1 is on the minus strand). VCF-style: chr1-114693433-C-T. GRCh37 (hg19) VCF-style: chr1-115236054-C-T.
Other names: c.22+2017G>A (NM_001172626.2).
Identifiers: ClinVar variation 2129514 (VCV002129514.4), dbSNP rs557611277, ClinGen allele CA1020610.